The following is an entry in ClinVar:

ClinVar aggregate classification (germline): Uncertain significance (1 of 4 stars; one submission).

Conditions:
Meckel-Gruber syndrome. Also called: DYSENCEPHALIA SPLANCHNOCYSTICA; GRUBER SYNDROME; Dysencephalia splachnocystica. Identifiers: Orphanet 564, MedGen C0265215, MONDO:0018921.
Joubert syndrome. Also called: CEREBELLOPARENCHYMAL DISORDER IV; JOUBERT-BOLTSHAUSER SYNDROME; Familial aplasia of the vermis. Identifiers: Orphanet 475, MedGen C5979921, MONDO:0018772.

Submission:

Labcorp Genetics (formerly Invitae), Labcorp
Classification: Uncertain significance for Joubert syndrome; Meckel-Gruber syndrome. Last evaluated: 2022-03-01. Review status: criteria provided, single submitter. Criteria: Invitae Variant Classification Sherloc (09022015). Collection method: clinical testing. Allele origin: germline.
Comment: This variant has not been reported in the literature in individuals affected with RPGRIP1L-related conditions. In summary, the available evidence is currently insufficient to determine the role of this variant in disease. Therefore, it has been classified as a Variant of Uncertain Significance. Algorithms developed to predict the effect of missense changes on protein structure and function (SIFT, PolyPhen-2, Align-GVGD) all suggest that this variant is likely to be tolerated. This variant is not present in population databases (gnomAD no frequency). This sequence change replaces proline, which is neutral and non-polar, with threonine, which is neutral and polar, at codon 948 of the RPGRIP1L protein (p.Pro948Thr).

NM_015272.5(RPGRIP1L):c.2842C>A (p.Pro948Thr)

Gene: RPGRIP1L (RPGRIP1 like; minus strand). Cytogenetic location: 16q12.2.
Variant type: single nucleotide variant.
Coding change: c.2842C>A on transcript NM_015272.5 (MANE Select); coding-DNA position 2842, C replaced by A.
Protein change: p.Pro948Thr; replaces proline 948 with threonine.
Molecular consequence: missense variant.
Genome position (GRCh38, 1-based): chr16:53,641,317, G>T on the plus strand (C>A on the coding strand, the complement: RPGRIP1L is on the minus strand). VCF-style: chr16-53641317-G-T. GRCh37 (hg19) VCF-style: chr16-53675229-G-T.
Other names: c.2842C>A, p.Pro948Thr (NM_001127897.4, NM_001308334.3, NM_001330538.2); short protein forms P948T.
Identifiers: ClinVar variation 1510178 (VCV001510178.8), dbSNP rs1486116698, ClinGen allele CA395927170.